The following is an entry in ClinVar:

NM_000702.4(ATP1A2):c.2438T>A (p.Met813Lys)

Gene: ATP1A2 (ATPase Na+/K+ transporting subunit alpha 2; plus strand). Cytogenetic location: 1q23.2.
Variant type: single nucleotide variant.
Coding change: c.2438T>A on transcript NM_000702.4 (MANE Select); coding-DNA position 2438, T replaced by A.
Protein change: p.Met813Lys; replaces methionine 813 with lysine.
Molecular consequence: missense variant.
Genome position (GRCh38, 1-based): chr1:160,135,992, T>A. VCF-style: chr1-160135992-T-A. GRCh37 (hg19) VCF-style: chr1-160105782-T-A.
Other names: short protein forms M813K.
Identifiers: ClinVar variation 204898 (VCV000204898.4), dbSNP rs796052277, ClinGen allele CA313313.
Genomic context (GRCh38, chr1:160,135,992, plus strand): 5'-CCAACATCCCCCTACCTCTGGGCACTGTGACCATCCTTTGCATTGACCTGGGCACAGATA[T>A]GGTGAGCGCAGGAGGTGGAGGAGGGGACAGGCAAGGCAATCGTGATGGCACAGTGGCAGG-3'
Protein context (NP_000693.1, residues 803-823): TILCIDLGTD[Met813Lys]VPAISLAYEA

ClinVar aggregate classification (germline): Pathogenic/Likely pathogenic. Review status: criteria provided, multiple submitters, no conflicts (2 of 4 stars). 3 submissions from 2 submitters: Pathogenic (1); Likely pathogenic (1). 1 of the submissions does not count toward it. Last evaluated 2016-12-09.

Conditions:
Developmental and epileptic encephalopathy 98. Identifiers: MedGen C5562017, MONDO:0030472, OMIM 619605.
Migraine, familial hemiplegic, 2. Identifiers: Orphanet 569, MedGen C1865322, MONDO:0011232, OMIM 602481.

Submissions (3):

GeneDx
Classification: Likely pathogenic. Last evaluated: 2016-12-09. Review status: criteria provided, single submitter. Criteria: GeneDx Variant Classification (06012015). Collection method: clinical testing. Allele origin: germline. Affected: yes.
Comment: p.Met813Lys (ATG>AAG): c.2438 T>A in exon 17 of the ATP1A2 gene (NM_000702.3). The Met813Lys missense change has not been published as a pathogenic variant, nor has it been reported as a benign variant to our knowledge. It was not observed in approximately 6,500 individuals of European and African American ancestry in the NHLBI Exome Sequencing Project, indicating it is not a common benign variant in these populations. The amino acid substitution is non-conservative as a uncharged, non-polar Methionine residue is replaced by a positively charged, polar Lysine residue. Met813Lys alters a conserved position in the M6 transmembrane domain of the ATP1A2 protein and several in-silico algorithms predict it may be damaging to the structure/function of the protein. The Met813Lys variant is a strong candidate for a pathogenic variant, however the possibility it may be a rare benign variant cannot be excluded.

Baylor Genetics
Classification: Pathogenic for Developmental and epileptic encephalopathy 98. Review status: criteria provided, single submitter. Criteria: ACMG Guidelines, 2015. Collection method: clinical testing. Allele origin: unknown.

Baylor Genetics
Classification: Uncertain significance for Migraine, familial hemiplegic, 2. Last evaluated: 2017-09-01. Review status: flagged submission. Criteria: ACMG Guidelines, 2015. Collection method: clinical testing. Allele origin: de novo. Inheritance: Autosomal dominant inheritance. Affected: yes. Not counted in ClinVar's aggregate classification.
ClinVar note: Reason: Other submission error

Literature cited by the submitters: PubMed 25326635 (cited by Baylor Genetics).